The following is an entry in ClinVar:

NM_000465.4(BARD1):c.1158A>G (p.Glu386=)

Gene: BARD1 (BRCA1 associated RING domain 1; minus strand). Cytogenetic location: 2q35.
Variant type: single nucleotide variant.
Coding change: c.1158A>G on transcript NM_000465.4 (MANE Select); coding-DNA position 1158, A replaced by G.
Protein change: p.Glu386=; no amino-acid change (glutamic acid 386 retained).
Molecular consequence: synonymous variant. On other transcripts: non-coding transcript variant (2), intron variant (3).
Genome position (GRCh38, 1-based): chr2:214,780,716, T>C on the plus strand (A>G on the coding strand, the complement: BARD1 is on the minus strand). VCF-style: chr2-214780716-T-C. GRCh37 (hg19) VCF-style: chr2-215645440-T-C.
Other names: c.1101A>G, p.Glu367= (NM_001282543.2); c.159-28161A>G (NM_001282548.2); c.215+16345A>G (NM_001282545.2); c.364+11581A>G (NM_001282549.2); c.1158A>G (NM_000465.2).
Identifiers: ClinVar variation 764509 (VCV000764509.17), dbSNP rs769665688, ClinGen allele CA2090334.
Genomic context (GRCh38, chr2:214,780,716, plus strand): 5'-TCGCCTGTAACTTGAACTACTTAATGTAGAAGGTGGTGTACCTGGTGAAAGACTAATGAA[T>C]TCATCGGACATGTTACTGTTTTTCCTCCCTGATGTACCACCAACTTTACGTTTGCATGAA-3'
Protein context (NP_000456.2, residues 376-396): SGRKNSNMSD[Glu386=]FISLSPGTPP

ClinVar aggregate classification (germline): Benign/Likely benign. Review status: criteria provided, multiple submitters, no conflicts (2 of 4 stars). 4 submissions from 4 submitters: Benign (1); Likely benign (3). Last evaluated 2026-01-21.

Conditions:
Hereditary cancer-predisposing syndrome. Also called: Tumor predisposition; Neoplastic Syndromes, Hereditary; Hereditary Cancer Syndrome; Hereditary neoplastic syndrome. Identifiers: Orphanet 140162, MedGen C0027672, MeSH D009386, MONDO:0015356.
Familial cancer of breast. Also called: BREAST CANCER, FAMILIAL; hereditary breast carcinoma; Hereditary breast cancer. Identifiers: Orphanet 227535, MedGen C0346153, MONDO:0016419, OMIM 114480. Disease mechanism: loss of function.

Allele frequency attached by ClinVar (database versions not stated): gnomAD exomes below 0.00001; ExAC 0.00001.
gnomAD v4.1: 1 of 1,614,090 alleles (0.000062%); highest among the groups gnomAD compares: Non-Finnish European, 0.000085%; no homozygotes.

Submissions (4):

Labcorp Genetics (formerly Invitae), Labcorp
Classification: Likely benign for Familial cancer of breast. Last evaluated: 2026-01-21. Review status: criteria provided, single submitter. Criteria: Invitae Variant Classification Sherloc (09022015). Collection method: clinical testing. Allele origin: germline.

Myriad Genetics, Inc.
Classification: Benign for Familial cancer of breast. Last evaluated: 2024-07-24. Review status: criteria provided, single submitter. Criteria: Myriad Autosomal Dominant, Autosomal Recessive and X-Linked Classification Criteria (2023). Collection method: clinical testing. Allele origin: unknown.
Comment: This variant is considered benign. This variant is a silent/synonymous amino acid change and it is not expected to impact splicing.

Color Diagnostics, LLC DBA Color Health
Classification: Likely benign for Hereditary cancer-predisposing syndrome. Last evaluated: 2021-03-15. Review status: criteria provided, single submitter. Criteria: ACMG Guidelines, 2015. Collection method: clinical testing. Allele origin: germline.

Ambry Genetics
Classification: Likely benign for Hereditary cancer-predisposing syndrome. Last evaluated: 2019-06-16. Review status: criteria provided, single submitter. Criteria: Ambry Variant Classification Scheme 2023. Collection method: clinical testing. Allele origin: germline.